The following is an entry in ClinVar:

ClinVar aggregate classification (germline): Uncertain significance (1 of 4 stars; one submission).

Conditions:
Inborn genetic diseases. Identifiers: MedGen C0950123, MeSH D030342.

Submission:

Ambry Genetics
Classification: Uncertain significance for Inborn genetic diseases. Last evaluated: 2022-09-25. Review status: criteria provided, single submitter. Criteria: Ambry Variant Classification Scheme 2023. Collection method: clinical testing. Allele origin: germline.
Comment: The p.E814G variant (also known as c.2441A>G), located in coding exon 11 of the ATR gene, results from an A to G substitution at nucleotide position 2441. The glutamic acid at codon 814 is replaced by glycine, an amino acid with similar properties. This amino acid position is conserved. In addition, the in silico prediction for this alteration is inconclusive. Since supporting evidence is limited at this time, the clinical significance of this alteration remains unclear.

NM_001184.4(ATR):c.2441A>G (p.Glu814Gly)

Gene: ATR (ATR checkpoint kinase; minus strand). Cytogenetic location: 3q23.
Variant type: single nucleotide variant.
Coding change: c.2441A>G on transcript NM_001184.4 (MANE Select); coding-DNA position 2441, A replaced by G.
Protein change: p.Glu814Gly; replaces glutamic acid 814 with glycine.
Molecular consequence: missense variant.
Genome position (GRCh38, 1-based): chr3:142,553,916, T>C on the plus strand (A>G on the coding strand, the complement: ATR is on the minus strand). VCF-style: chr3-142553916-T-C. GRCh37 (hg19) VCF-style: chr3-142272758-T-C.
Other names: c.2249A>G, p.Glu750Gly (NM_001354579.2); short protein forms E750G, E814G.
Identifiers: ClinVar variation 1791337 (VCV001791337.2), dbSNP rs2473385979, ClinGen allele CA354816712.